The following is an entry in ClinVar:

NM_001006638.3(RAB37):c.186C>G (p.Thr62=)

Gene: RAB37 (RAB37, member RAS oncogene family; plus strand). Cytogenetic location: 17q25.1.
Variant type: single nucleotide variant.
Coding change: c.186C>G on transcript NM_001006638.3 (MANE Select); coding-DNA position 186, C replaced by G.
Protein change: p.Thr62=; no amino-acid change (threonine 62 retained).
Molecular consequence: synonymous variant. On other transcripts: intron variant (2).
Genome position (GRCh38, 1-based): chr17:74,740,860, C>G. VCF-style: chr17-74740860-C-G. GRCh37 (hg19) VCF-style: chr17-72736999-C-G.
Other names: c.90C>G, p.Thr30= (NM_001163989.3); c.105C>G, p.Thr35= (NM_001330471.2); c.184-1394C>G (NM_175738.5); c.94-1394C>G (NM_001163990.2).
Identifiers: ClinVar variation 2648227 (VCV002648227.24), dbSNP rs146770958, ClinGen allele CA501755160.
Genomic context (GRCh38, chr17:74,740,860, plus strand): 5'-AACATGTTTCCTGATCCAATTCAAAGACGGGGCCTTCCTGTCCGGAACCTTCATAGCCAC[C>G]GTCGGCATAGACTTCAGGGTGAGGTGGCTGCAGGCACTTGCTTCCAGCAGAGAGCCAGGG-3'
Protein context (NP_001006639.1, residues 52-72): GAFLSGTFIA[Thr62=]VGIDFRNKVV

ClinVar aggregate classification (germline): Likely benign (1 of 4 stars; one submission).

gnomAD v4.1: 2 of 1,613,204 alleles (0.00012%); highest among the groups gnomAD compares: Non-Finnish European, 0.00017%; no homozygotes.

Submission:

CeGaT Center for Human Genetics Tuebingen
Classification: Likely benign. Last evaluated: 2022-03-01. Review status: criteria provided, single submitter. Criteria: CeGaT Center For Human Genetics Tuebingen Variant Classification Criteria Version 2. Collection method: clinical testing. Allele origin: germline. Affected: yes. Observed: 1 variant allele.
Comment: RAB37: BP4, BP7